The following is an entry in ClinVar:

ClinVar aggregate classification (germline): Uncertain significance (1 of 4 stars; one submission).

Conditions:
Familial acute necrotizing encephalopathy (IIAE3). Also called: ENCEPHALOPATHY, ACUTE, INFECTION-INDUCED, SUSCEPTIBILITY TO, 3; Susceptibility to Acute Necrotizing Encephalopathy 1. Identifiers: Orphanet 88619, MedGen C2675556, MONDO:0011953, OMIM 608033.

Allele frequency attached by ClinVar (database versions not stated): gnomAD exomes 0.00001.
gnomAD v4.1: 14 of 1,613,186 alleles (0.00087%); highest among the groups gnomAD compares: Non-Finnish European, 0.0011%; no homozygotes.

Submission:

Labcorp Genetics (formerly Invitae), Labcorp
Classification: Uncertain significance for Familial acute necrotizing encephalopathy. Last evaluated: 2024-10-22. Review status: criteria provided, single submitter. Criteria: Invitae Variant Classification Sherloc (09022015). Collection method: clinical testing. Allele origin: germline.
Comment: This sequence change replaces isoleucine, which is neutral and non-polar, with valine, which is neutral and non-polar, at codon 3202 of the RANBP2 protein (p.Ile3202Val). This variant is not present in population databases (gnomAD no frequency). This variant has not been reported in the literature in individuals affected with RANBP2-related conditions. ClinVar contains an entry for this variant (Variation ID: 838798). An algorithm developed to predict the effect of missense changes on protein structure and function (PolyPhen-2) suggests that this variant is likely to be disruptive. In summary, the available evidence is currently insufficient to determine the role of this variant in disease. Therefore, it has been classified as a Variant of Uncertain Significance.

NM_006267.5(RANBP2):c.9604A>G (p.Ile3202Val)

Gene: RANBP2 (RAN binding protein 2; plus strand). Cytogenetic location: 2q13.
Variant type: single nucleotide variant.
Coding change: c.9604A>G on transcript NM_006267.5 (MANE Select); coding-DNA position 9604, A replaced by G.
Protein change: p.Ile3202Val; replaces isoleucine 3202 with valine.
Molecular consequence: missense variant.
Genome position (GRCh38, 1-based): chr2:108,783,830, A>G. VCF-style: chr2-108783830-A-G. GRCh37 (hg19) VCF-style: chr2-109400286-A-G.
Other names: short protein forms I3202V.
Identifiers: ClinVar variation 838798 (VCV000838798.10), dbSNP rs1678424306, ClinGen allele CA348034880.